The following is an entry in ClinVar:

NM_013432.5(TONSL):c.155A>T (p.Gln52Leu)

Gene: TONSL (tonsoku like, DNA repair protein; minus strand). Cytogenetic location: 8q24.3.
Variant type: single nucleotide variant.
Coding change: c.155A>T on transcript NM_013432.5 (MANE Select); coding-DNA position 155, A replaced by T.
Protein change: p.Gln52Leu; replaces glutamine 52 with leucine.
Molecular consequence: missense variant.
Genome position (GRCh38, 1-based): chr8:144,443,991, T>A on the plus strand (A>T on the coding strand, the complement: TONSL is on the minus strand). VCF-style: chr8-144443991-T-A. GRCh37 (hg19) VCF-style: chr8-145669374-T-A.
Other names: short protein forms Q52L.
Identifiers: ClinVar variation 1378375 (VCV001378375.6), dbSNP rs1391653450, ClinGen allele CA372679601.

ClinVar aggregate classification (germline): Uncertain significance (1 of 4 stars; one submission).

Allele frequency attached by ClinVar (database versions not stated): gnomAD exomes below 0.00001 and 0.00001; gnomAD 0.00001.
gnomAD v4.1: 4 of 1,539,488 alleles (0.00026%); highest among the groups gnomAD compares: South Asian, 0.0048%; no homozygotes.

Submission:

Labcorp Genetics (formerly Invitae), Labcorp
Classification: Uncertain significance. Last evaluated: 2021-08-28. Review status: criteria provided, single submitter. Criteria: Invitae Variant Classification Sherloc (09022015). Collection method: clinical testing. Allele origin: germline.
Comment: This variant has not been reported in the literature in individuals affected with TONSL-related conditions. Algorithms developed to predict the effect of missense changes on protein structure and function are either unavailable or do not agree on the potential impact of this missense change (SIFT: "Deleterious"; PolyPhen-2: "Benign"; Align-GVGD: "Class C0"). In summary, the available evidence is currently insufficient to determine the role of this variant in disease. Therefore, it has been classified as a Variant of Uncertain Significance. The frequency data for this variant in the population databases is considered unreliable, as metrics indicate insufficient coverage at this position in the ExAC database. This sequence change replaces glutamine with leucine at codon 52 of the TONSL protein (p.Gln52Leu). The glutamine residue is weakly conserved and there is a moderate physicochemical difference between glutamine and leucine.